The following is an entry in ClinVar:

NM_020461.4(TUBGCP6):c.610G>C (p.Asp204His)

Gene: TUBGCP6 (tubulin gamma complex component 6; minus strand). Cytogenetic location: 22q13.33.
Variant type: single nucleotide variant.
Coding change: c.610G>C on transcript NM_020461.4 (MANE Select); coding-DNA position 610, G replaced by C.
Protein change: p.Asp204His; replaces aspartic acid 204 with histidine.
Molecular consequence: missense variant.
Genome position (GRCh38, 1-based): chr22:50,243,850, C>G on the plus strand (G>C on the coding strand, the complement: TUBGCP6 is on the minus strand). VCF-style: chr22-50243850-C-G. GRCh37 (hg19) VCF-style: chr22-50682279-C-G.
Other names: short protein forms D204H.
Identifiers: ClinVar variation 1921454 (VCV001921454.30), dbSNP rs747557184, ClinGen allele CA10309015.

ClinVar aggregate classification (germline): Conflicting classifications of pathogenicity. Review status: criteria provided, conflicting classifications (1 of 4 stars). 3 submissions from 3 submitters: Uncertain significance (2); Likely benign (1). Last evaluated 2025-09-02.

Conditions:
Inborn genetic diseases. Identifiers: MedGen C0950123, MeSH D030342.

Allele frequency attached by ClinVar (database versions not stated): gnomAD exomes below 0.00001; ExAC 0.00001; TOPMed 0.00001.
gnomAD v4.1: 8 of 1,613,638 alleles (0.0005%); highest among the groups gnomAD compares: Non-Finnish European, 0.00051%; no homozygotes.

Submissions (3):

Labcorp Genetics (formerly Invitae), Labcorp
Classification: Uncertain significance. Last evaluated: 2025-09-02. Review status: criteria provided, single submitter. Criteria: Invitae Variant Classification Sherloc (09022015). Collection method: clinical testing. Allele origin: germline.
Comment: This sequence change replaces aspartic acid, which is acidic and polar, with histidine, which is basic and polar, at codon 204 of the TUBGCP6 protein (p.Asp204His). This variant is present in population databases (rs747557184, gnomAD 0.0008%). This variant has not been reported in the literature in individuals affected with TUBGCP6-related conditions. ClinVar contains an entry for this variant (Variation ID: 1921454). An algorithm developed to predict the effect of missense changes on protein structure and function (PolyPhen-2) suggests that this variant is likely to be disruptive. In summary, the available evidence is currently insufficient to determine the role of this variant in disease. Therefore, it has been classified as a Variant of Uncertain Significance.

CeGaT Center for Human Genetics Tuebingen
Classification: Likely benign. Last evaluated: 2023-01-01. Review status: criteria provided, single submitter. Criteria: CeGaT Center For Human Genetics Tuebingen Variant Classification Criteria Version 2. Collection method: clinical testing. Allele origin: germline. Affected: yes. Observed: 1 variant allele.
Comment: TUBGCP6: BP4

Ambry Genetics
Classification: Uncertain significance for Inborn genetic diseases. Last evaluated: 2022-10-04. Review status: criteria provided, single submitter. Criteria: Ambry Variant Classification Scheme 2023. Collection method: clinical testing. Allele origin: germline.